The following is an entry in ClinVar:

ClinVar aggregate classification (germline): Likely benign (1 of 4 stars; one submission).

Conditions:
SH2B1-related disorder. Also called: SH2B1-related condition.

Submission:

PreventionGenetics, part of Exact Sciences
Classification: Likely benign for SH2B1-related condition. Last evaluated: 2026-06-16. Review status: criteria provided, single submitter. Criteria: ACMG Guidelines, 2015. Collection method: clinical testing. Allele origin: germline.
Comment: This variant is classified as likely benign based on ACMG/AMP sequence variant interpretation guidelines (Richards et al. 2015 PMID: 25741868, with internal and published modifications).

NM_001387430.1(SH2B1):c.1080T>C (p.Asp360=)

Gene: SH2B1 (SH2B adaptor protein 1; plus strand). Cytogenetic location: 16p11.2.
Variant type: single nucleotide variant.
Coding change: c.1080T>C on transcript NM_001387430.1 (MANE Select); coding-DNA position 1080, T replaced by C.
Protein change: p.Asp360=; no amino-acid change (aspartic acid 360 retained).
Molecular consequence: synonymous variant.
Genome position (GRCh38, 1-based): chr16:28,869,044, T>C. VCF-style: chr16-28869044-T-C. GRCh37 (hg19) VCF-style: chr16-28880365-T-C.
Other names: c.1080T>C, p.Asp360= (NM_001145795.2, NM_001145796.2, NM_001145797.2 and 4 more transcripts); c.72T>C, p.Asp24= (NM_001308294.2).
Identifiers: ClinVar variation 4982506 (VCV004982506.1).